The following is an entry in ClinVar:

ClinVar aggregate classification (germline): Uncertain significance. Review status: criteria provided, multiple submitters, no conflicts (2 of 4 stars). 2 submissions from 2 submitters: Uncertain significance (2). Last evaluated 2025-10-22.

Conditions:
Baller-Gerold syndrome (BGS). Also called: CRANIOSYNOSTOSIS WITH RADIAL DEFECTS. Identifiers: Orphanet 1225, MedGen C0265308, MONDO:0009039, OMIM 218600.
RECQL4-related disorder. Also called: RECQL4-related disorders; RECQL4-related condition.

Submissions (2):

PreventionGenetics, part of Exact Sciences
Classification: Uncertain significance for RECQL4-related condition. Last evaluated: 2025-10-22. Review status: criteria provided, single submitter. Criteria: ACMG Guidelines, 2015. Collection method: clinical testing. Allele origin: germline.
Comment: The RECQL4 c.3253T>C variant is predicted to result in the amino acid substitution p.Cys1085Arg. To our knowledge, this variant has not been reported in the literature or in a large population database (gnomAD), indicating this variant is rare. At this time, the clinical significance of this variant is uncertain due to the absence of conclusive functional and genetic evidence.

Labcorp Genetics (formerly Invitae), Labcorp
Classification: Uncertain significance for Baller-Gerold syndrome. Last evaluated: 2022-04-09. Review status: criteria provided, single submitter. Criteria: Invitae Variant Classification Sherloc (09022015). Collection method: clinical testing. Allele origin: germline.
Comment: In summary, the available evidence is currently insufficient to determine the role of this variant in disease. Therefore, it has been classified as a Variant of Uncertain Significance. ClinVar contains an entry for this variant (Variation ID: 648480). This variant is not present in population databases (gnomAD no frequency). This variant has not been reported in the literature in individuals affected with RECQL4-related conditions. This sequence change replaces cysteine, which is neutral and slightly polar, with arginine, which is basic and polar, at codon 1085 of the RECQL4 protein (p.Cys1085Arg).

NM_004260.4(RECQL4):c.3253T>C (p.Cys1085Arg)

Gene: RECQL4 (RecQ like helicase 4; minus strand). Cytogenetic location: 8q24.3.
Variant type: single nucleotide variant.
Coding change: c.3253T>C on transcript NM_004260.4 (MANE Select); coding-DNA position 3253, T replaced by C.
Protein change: p.Cys1085Arg; replaces cysteine 1085 with arginine.
Molecular consequence: missense variant.
Genome position (GRCh38, 1-based): chr8:144,512,051, A>G on the plus strand (T>C on the coding strand, the complement: RECQL4 is on the minus strand). VCF-style: chr8-144512051-A-G. GRCh37 (hg19) VCF-style: chr8-145737434-A-G.
Other names: short protein forms C1085R.
Identifiers: ClinVar variation 648480 (VCV000648480.6), dbSNP rs1161967688, ClinGen allele CA372669277.